The following is an entry in ClinVar:

ClinVar aggregate classification (germline): Uncertain significance (1 of 4 stars; one submission).

Conditions:
Developmental and epileptic encephalopathy, 11 (DEE11). Also called: Early infantile epileptic encephalopathy 11. Identifiers: Orphanet 1934, MedGen C3150987, MONDO:0013388, OMIM 613721.

Submission:

MVZ Medizinische Genetik Mainz
Classification: Uncertain significance for Developmental and epileptic encephalopathy, 11. Last evaluated: 2024-07-01. Review status: criteria provided, single submitter. Criteria: UK Practice Guidelines For Variant Classification V4 01 2020. Collection method: clinical testing. Allele origin: germline. Inheritance: Autosomal dominant inheritance. Affected: yes. Observed: 1 variant allele.
Comment: ACMG Criteria: PM2_SUP,PP3

NM_001040142.2(SCN2A):c.970+4A>T

Gene: SCN2A (sodium voltage-gated channel alpha subunit 2; plus strand). Cytogenetic location: 2q24.3.
Variant type: single nucleotide variant.
Coding change: c.970+4A>T on transcript NM_001040142.2 (MANE Select); 4 bases into the intron after coding-DNA position 970, A replaced by T.
Molecular consequence: intron variant.
Genome position (GRCh38, 1-based): chr2:165,310,599, A>T. VCF-style: chr2-165310599-A-T. GRCh37 (hg19) VCF-style: chr2-166167109-A-T.
Other names: c.970+4A>T (NM_001040143.2, NM_001371246.1, NM_001371247.1 and 1 more transcripts).
Identifiers: ClinVar variation 3256902 (VCV003256902.1).